The following is an entry in ClinVar:

NM_001365951.3(KIF1B):c.2115+7213C>T

Gene: KIF1B (kinesin family member 1B; plus strand). Cytogenetic location: 1p36.22.
Variant type: single nucleotide variant.
Coding change: c.2115+7213C>T on transcript NM_001365951.3 (MANE Select); 7213 bases into the intron after coding-DNA position 2115, C replaced by T.
Molecular consequence: intron variant. On other transcripts: missense variant (2).
Genome position (GRCh38, 1-based): chr1:10,304,459, C>T. VCF-style: chr1-10304459-C-T. GRCh37 (hg19) VCF-style: chr1-10364517-C-T.
Other names: c.3274C>T, p.His1092Tyr (NM_001365953.1, NM_183416.4); c.1977+7213C>T (NM_015074.3); c.2115+7213C>T (NM_001365952.1); short protein forms H1092Y.
Identifiers: ClinVar variation 2630568 (VCV002630568.1), dbSNP rs2521467636, ClinGen allele CA338328203.
Genomic context (GRCh38, chr1:10,304,459, plus strand): 5'-TCATTAAACTCCCACAGTGGTCACCCCACTGCTGATGTACAGACTTTCCAGGCAAAGCGC[C>T]ATATTCATCAACACCGTCAGTCTTACTGTAATTATAACACTGGAGGTCAGTTAGAGGGCA-3'

ClinVar aggregate classification (germline): Uncertain significance (1 of 4 stars; one submission).

Conditions:
KIF1B-related disorder. Also called: KIF1B-related condition.

Submission:

PreventionGenetics, part of Exact Sciences
Classification: Uncertain significance for KIF1B-related condition. Last evaluated: 2023-01-27. Review status: criteria provided, single submitter. Criteria: ACMG Guidelines, 2015. Collection method: clinical testing. Allele origin: germline.
Comment: The KIF1B c.3274C>T variant is predicted to result in the amino acid substitution p.His1092Tyr. This variant corresponds to a deep intronic position in the primary transcript for this gene (NM_015074:c.1977+7213C>T). To our knowledge, this variant has not been reported in the literature or in a large population database, indicating this variant is rare. At this time, the clinical significance of this variant is uncertain due to the absence of conclusive functional and genetic evidence.